The following is an entry in ClinVar:

NM_000435.3(NOTCH3):c.5601C>T (p.Ala1867=)

Gene: NOTCH3 (notch receptor 3; minus strand). Cytogenetic location: 19p13.12.
Variant type: single nucleotide variant.
Coding change: c.5601C>T on transcript NM_000435.3 (MANE Select); coding-DNA position 5601, C replaced by T.
Protein change: p.Ala1867=; no amino-acid change (alanine 1867 retained).
Molecular consequence: synonymous variant.
Genome position (GRCh38, 1-based): chr19:15,165,853, G>A on the plus strand (C>T on the coding strand, the complement: NOTCH3 is on the minus strand). VCF-style: chr19-15165853-G-A. GRCh37 (hg19) VCF-style: chr19-15276664-G-A.
Identifiers: ClinVar variation 1879427 (VCV001879427.29), dbSNP rs2512617169, ClinGen allele CA506076623.
Genomic context (GRCh38, chr19:15,165,853, plus strand): 5'-GACACCCTGGGCATCGGCTGTGACAGCTGTGTGCAGGGGAGTGCGGCCTGAGTGGTCCTG[G>A]GCATTGGTGTCTGCCCCAGCATCCAGCAGCCGCTTGGCTGCATCAGCACGGGCATAACGG-3'
Protein context (NP_000426.2, residues 1857-1877): RLLDAGADTN[Ala1867=]QDHSGRTPLH

ClinVar aggregate classification (germline): Likely benign (1 of 4 stars; one submission).

Allele frequency attached by ClinVar (database versions not stated): gnomAD exomes below 0.00001.
gnomAD v4.1: 1 of 1,614,024 alleles (0.000062%); highest among the groups gnomAD compares: Non-Finnish European, 0.000085%; no homozygotes.

Submission:

CeGaT Center for Human Genetics Tuebingen
Classification: Likely benign. Last evaluated: 2022-10-01. Review status: criteria provided, single submitter. Criteria: CeGaT Center For Human Genetics Tuebingen Variant Classification Criteria Version 2. Collection method: clinical testing. Allele origin: germline. Affected: yes. Observed: 1 variant allele.
Comment: NOTCH3: PM2:Supporting, BP4, BP7